The following is an entry in ClinVar:

NM_182710.3(KAT5):c.1183A>G (p.Thr395Ala)

Gene: KAT5 (lysine acetyltransferase 5; plus strand). Cytogenetic location: 11q13.1.
Variant type: single nucleotide variant.
Coding change: c.1183A>G on transcript NM_182710.3 (MANE Select); coding-DNA position 1183, A replaced by G.
Protein change: p.Thr395Ala; replaces threonine 395 with alanine.
Molecular consequence: missense variant.
Genome position (GRCh38, 1-based): chr11:65,716,901, A>G. VCF-style: chr11-65716901-A-G. GRCh37 (hg19) VCF-style: chr11-65484372-A-G.
Other names: c.1027A>G, p.Thr343Ala (NM_001206833.2); c.1084A>G, p.Thr362Ala (NM_006388.4); c.928A>G, p.Thr310Ala (NM_182709.3); short protein forms T310A, T343A, T362A, T395A.
Identifiers: ClinVar variation 3346514 (VCV003346514.1).

ClinVar aggregate classification (germline): Uncertain significance (0 of 4 stars; one submission).

Conditions:
KAT5-related disorder. Also called: KAT5-related condition.

Submission:

PreventionGenetics, part of Exact Sciences
Classification: Uncertain significance for KAT5-related condition. Last evaluated: 2024-05-10. Review status: no assertion criteria provided. Collection method: clinical testing. Allele origin: germline.
Comment: The KAT5 c.1183A>G variant is predicted to result in the amino acid substitution p.Thr395Ala. To our knowledge, this variant has not been reported in the literature or in a large population database, indicating this variant is rare. At this time, the clinical significance of this variant is uncertain due to the absence of conclusive functional and genetic evidence.